The following is an entry in ClinVar:

NM_002485.5(NBN):c.568C>A (p.Pro190Thr)

Gene: NBN (nibrin; minus strand). Cytogenetic location: 8q21.3.
Variant type: single nucleotide variant.
Coding change: c.568C>A on transcript NM_002485.5 (MANE Select); coding-DNA position 568, C replaced by A.
Protein change: p.Pro190Thr; replaces proline 190 with threonine.
Molecular consequence: missense variant.
Genome position (GRCh38, 1-based): chr8:89,978,236, G>T on the plus strand (C>A on the coding strand, the complement: NBN is on the minus strand). VCF-style: chr8-89978236-G-T. GRCh37 (hg19) VCF-style: chr8-90990464-G-T.
Other names: c.322C>A, p.Pro108Thr (NM_001024688.3); short protein forms P190T, P108T.
Identifiers: ClinVar variation 2566733 (VCV002566733.2), dbSNP rs1554566620, ClinGen allele CA371660131.

ClinVar aggregate classification (germline): Uncertain significance (1 of 4 stars; one submission).

Conditions:
Hereditary cancer-predisposing syndrome. Also called: Hereditary neoplastic syndrome; Hereditary Cancer Syndrome; Neoplastic Syndromes, Hereditary; Tumor predisposition. Identifiers: Orphanet 140162, MedGen C0027672, MeSH D009386, MONDO:0015356.

Allele frequency attached by ClinVar (database versions not stated): gnomAD exomes below 0.00001.
gnomAD v4.1: 1 of 1,605,150 alleles (0.000062%); highest among the groups gnomAD compares: Non-Finnish European, 0.000085%; no homozygotes.

Submission:

Ambry Genetics
Classification: Uncertain significance for Hereditary cancer-predisposing syndrome. Last evaluated: 2023-05-04. Review status: criteria provided, single submitter. Criteria: Ambry Variant Classification Scheme 2023. Collection method: clinical testing. Allele origin: germline.
Comment: The p.P190T variant (also known as c.568C>A), located in coding exon 5 of the NBN gene, results from a C to A substitution at nucleotide position 568. The proline at codon 190 is replaced by threonine, an amino acid with highly similar properties. This amino acid position is conserved. In addition, this alteration is predicted to be tolerated by in silico analysis. Since supporting evidence is limited at this time, the clinical significance of this alteration remains unclear.